The following is an entry in ClinVar:

NM_004380.3(CREBBP):c.5900A>G (p.Gln1967Arg)

Gene: CREBBP (CREB binding lysine acetyltransferase; minus strand). Cytogenetic location: 16p13.3.
Variant type: single nucleotide variant.
Coding change: c.5900A>G on transcript NM_004380.3 (MANE Select); coding-DNA position 5900, A replaced by G.
Protein change: p.Gln1967Arg; replaces glutamine 1967 with arginine.
Molecular consequence: missense variant.
Genome position (GRCh38, 1-based): chr16:3,729,147, T>C on the plus strand (A>G on the coding strand, the complement: CREBBP is on the minus strand). VCF-style: chr16-3729147-T-C. GRCh37 (hg19) VCF-style: chr16-3779148-T-C.
Other names: c.5786A>G, p.Gln1929Arg (NM_001079846.1); short protein forms Q1967R, Q1929R.
Identifiers: ClinVar variation 3720686 (VCV003720686.2).

ClinVar aggregate classification (germline): Uncertain significance (1 of 4 stars; one submission).

Conditions:
Rubinstein-Taybi syndrome (RSTS). Identifiers: Orphanet 783, MedGen C0035934, MONDO:0019188.

gnomAD v4.1: 8 of 1,320,612 alleles (0.00061%); highest among the groups gnomAD compares: Non-Finnish European, 0.00079%; no homozygotes.

Submission:

Labcorp Genetics (formerly Invitae), Labcorp
Classification: Uncertain significance for Rubinstein-Taybi syndrome. Last evaluated: 2024-12-03. Review status: criteria provided, single submitter. Criteria: Invitae Variant Classification Sherloc (09022015). Collection method: clinical testing. Allele origin: germline.
Comment: This sequence change replaces glutamine, which is neutral and polar, with arginine, which is basic and polar, at codon 1967 of the CREBBP protein (p.Gln1967Arg). This variant is not present in population databases (gnomAD no frequency). This variant has not been reported in the literature in individuals affected with CREBBP-related conditions. Invitae Evidence Modeling of protein sequence and biophysical properties (such as structural, functional, and spatial information, amino acid conservation, physicochemical variation, residue mobility, and thermodynamic stability) indicates that this missense variant is not expected to disrupt CREBBP protein function with a negative predictive value of 95%. In summary, the available evidence is currently insufficient to determine the role of this variant in disease. Therefore, it has been classified as a Variant of Uncertain Significance.